The following is an entry in ClinVar:

ClinVar aggregate classification (germline): Uncertain significance (1 of 4 stars; one submission).

Allele frequency attached by ClinVar (database versions not stated): gnomAD 0.00001; ExAC 0.00002; gnomAD exomes 0.00002 and 0.00003; TOPMed 0.00002.
gnomAD v4.1: 41 of 1,613,902 alleles (0.0025%); highest among the groups gnomAD compares: Middle Eastern, 0.033%; no homozygotes.

Submission:

Labcorp Genetics (formerly Invitae), Labcorp
Classification: Uncertain significance. Last evaluated: 2025-06-12. Review status: criteria provided, single submitter. Criteria: Invitae Variant Classification Sherloc (09022015). Collection method: clinical testing. Allele origin: germline.
Comment: This sequence change replaces arginine, which is basic and polar, with tryptophan, which is neutral and slightly polar, at codon 240 of the TRPC6 protein (p.Arg240Trp). This variant is present in population databases (rs201054988, gnomAD 0.009%). This variant has not been reported in the literature in individuals affected with TRPC6-related conditions. ClinVar contains an entry for this variant (Variation ID: 1382411). Invitae Evidence Modeling of protein sequence and biophysical properties (such as structural, functional, and spatial information, amino acid conservation, physicochemical variation, residue mobility, and thermodynamic stability) indicates that this missense variant is not expected to disrupt TRPC6 protein function with a negative predictive value of 95%. In summary, the available evidence is currently insufficient to determine the role of this variant in disease. Therefore, it has been classified as a Variant of Uncertain Significance.

NM_004621.6(TRPC6):c.718C>T (p.Arg240Trp)

Gene: TRPC6 (transient receptor potential cation channel subfamily C member 6; minus strand). Cytogenetic location: 11q22.1.
Variant type: single nucleotide variant.
Coding change: c.718C>T on transcript NM_004621.6 (MANE Select); coding-DNA position 718, C replaced by T.
Protein change: p.Arg240Trp; replaces arginine 240 with tryptophan.
Molecular consequence: missense variant.
Genome position (GRCh38, 1-based): chr11:101,504,251, G>A on the plus strand (C>T on the coding strand, the complement: TRPC6 is on the minus strand). VCF-style: chr11-101504251-G-A. GRCh37 (hg19) VCF-style: chr11-101374982-G-A.
Other names: short protein forms R240W.
Identifiers: ClinVar variation 1382411 (VCV001382411.8), dbSNP rs201054988, ClinGen allele CA6244477.